The following is an entry in ClinVar:

NM_001042724.2(NECTIN2):c.961A>G (p.Ser321Gly)

Gene: NECTIN2 (nectin cell adhesion molecule 2; plus strand). Cytogenetic location: 19q13.32.
Variant type: single nucleotide variant.
Coding change: c.961A>G on transcript NM_001042724.2 (MANE Select); coding-DNA position 961, A replaced by G.
Protein change: p.Ser321Gly; replaces serine 321 with glycine.
Molecular consequence: missense variant.
Genome position (GRCh38, 1-based): chr19:44,874,397, A>G. VCF-style: chr19-44874397-A-G. GRCh37 (hg19) VCF-style: chr19-45377654-A-G.
Other names: c.961A>G, p.Ser321Gly (NM_002856.3); short protein forms S321G.
Identifiers: ClinVar variation 4985042 (VCV004985042.1).

ClinVar aggregate classification (germline): Likely benign (1 of 4 stars; one submission).

Conditions:
NECTIN2-related disorder. Also called: NECTIN2-related condition.

gnomAD v4.1: 232 of 1,614,104 alleles (0.014%); highest among the groups gnomAD compares: African/African-American, 0.28%; 1 homozygote.

Submission:

PreventionGenetics, part of Exact Sciences
Classification: Likely benign for NECTIN2-related condition. Last evaluated: 2026-01-12. Review status: criteria provided, single submitter. Criteria: ACMG Guidelines, 2015. Collection method: clinical testing. Allele origin: germline.
Comment: This variant is classified as likely benign based on ACMG/AMP sequence variant interpretation guidelines (Richards et al. 2015 PMID: 25741868, with internal and published modifications).